The following is an entry in ClinVar:

ClinVar aggregate classification (germline): Uncertain significance (1 of 4 stars; one submission).

Submission:

GeneDx
Classification: Uncertain significance. Last evaluated: 2023-03-23. Review status: criteria provided, single submitter. Criteria: GeneDx Variant Classification Process June 2021. Collection method: clinical testing. Allele origin: germline. Affected: yes.
Comment: Not observed at significant frequency in large population cohorts (gnomAD); In silico analysis supports that this missense variant does not alter protein structure/function; Has not been previously published as pathogenic or benign to our knowledge

NM_018489.3(ASH1L):c.3659A>C (p.Gln1220Pro)

Gene: ASH1L (ASH1 like histone lysine methyltransferase; minus strand). Cytogenetic location: 1q22.
Variant type: single nucleotide variant.
Coding change: c.3659A>C on transcript NM_018489.3 (MANE Select); coding-DNA position 3659, A replaced by C.
Protein change: p.Gln1220Pro; replaces glutamine 1220 with proline.
Molecular consequence: missense variant.
Genome position (GRCh38, 1-based): chr1:155,479,211, T>G on the plus strand (A>C on the coding strand, the complement: ASH1L is on the minus strand). VCF-style: chr1-155479211-T-G. GRCh37 (hg19) VCF-style: chr1-155449002-T-G.
Other names: c.3659A>C, p.Gln1220Pro (NM_001366177.2); short protein forms Q1220P.
Identifiers: ClinVar variation 2581911 (VCV002581911.1), dbSNP rs2527161914, ClinGen allele CA342709165.
Genomic context (GRCh38, chr1:155,479,211, plus strand): 5'-ACTGTAGAGGTTTCAGGGGGAATCAGAGAAACATGCTCAAAAGAATGCCTCCTCTTTTTT[T>G]GCCCACAAAATTTCTCTGCCCTGTCTGATGTGCTGTTATTATCTGTTCCAATTCCACTAT-3'
Protein context (NP_060959.2, residues 1210-1230): TSDRAEKFCG[Gln1220Pro]KKRRHSFEHV